The following is an entry in ClinVar:

NM_002128.7(HMGB1):c.591GGA[3] (p.Glu201del)

Gene: HMGB1 (high mobility group box 1; minus strand). Cytogenetic location: 13q12.3.
Variant type: Microsatellite.
Coding change: c.591GGA[3] on transcript NM_002128.7 (MANE Select); three copies in a row of the 3-base unit GGA starting at c.591; the reference has four copies in a row; one copy, 3 bases deleted.
Protein change: p.Glu201del; deletes glutamic acid 201.
Molecular consequence: inframe deletion. On other transcripts: 3 prime UTR variant (2).
Genome position (GRCh38, 1-based): chr13:30,461,403-30,461,405, TCC deleted on the plus strand (GGA on the coding strand, the reverse complement: HMGB1 is on the minus strand); deleting any 3 consecutive bases within chr13:30,461,403-30,461,416 gives the same sequence; the position shown is the placement nearest the transcript's 3' end. VCF-style (leftmost placement, unchanged base first): chr13-30461402-TTCC-T. GRCh37 (hg19) VCF-style: chr13-31035539-TTCC-T.
Other names: c.591GGA[3], p.Glu201del (NM_001313892.2, NM_001313893.1, NM_001370340.1 and 1 more transcripts); c.*164GGA[3] (NM_001363661.2); c.*269GGA[3] (NM_001370339.1); short protein forms E201del.
Identifiers: ClinVar variation 2643710 (VCV002643710.24), dbSNP rs745673887, ClinGen allele CA6933824.
Genomic context (GRCh38, chr13:30,461,402, plus strand): 5'-TGCGCTAGAACCAACTTATTCATCATCATCATCTTCTTCTTCATCTTCATCTTCTTCATC[TTCC>T]TCCTCCTCCTCATCCTCTTCATCTTCCTCATCTTCCTCCTCTTCCTTCTTTTTCTTGCTT-3'

ClinVar aggregate classification (germline): Benign (1 of 4 stars; one submission).

Submission:

CeGaT Center for Human Genetics Tuebingen
Classification: Benign. Last evaluated: 2023-05-01. Review status: criteria provided, single submitter. Criteria: CeGaT Center For Human Genetics Tuebingen Variant Classification Criteria Version 2. Collection method: clinical testing. Allele origin: germline. Affected: yes. Observed: 2 variant alleles.
Comment: HMGB1: BS1, BS2